The following is an entry in ClinVar:

NM_000152.5(GAA):c.889_890insG (p.Phe297fs)

Gene: GAA (alpha glucosidase; plus strand). Cytogenetic location: 17q25.3.
Variant type: Insertion.
Coding change: c.889_890insG on transcript NM_000152.5 (MANE Select); coding-DNA positions 889 to 890, G inserted.
Protein change: p.Phe297fs; shifts the reading frame from phenylalanine 297.
Molecular consequence: frameshift variant.
Genome position: GRCh38 VCF-style: chr17-80107830-T-TG. GRCh37 (hg19) VCF-style: chr17-78081629-T-TG.
Other names: c.889_890insG, p.Phe297fs (NM_001079803.3, NM_001079804.3, NM_001406741.1 and 1 more transcripts); short protein forms F297fs.
Identifiers: ClinVar variation 2753169 (VCV002753169.4), dbSNP rs2510359261, ClinGen allele CA2697555239.

ClinVar aggregate classification (germline): Pathogenic/Likely pathogenic. Review status: criteria provided, multiple submitters, no conflicts (2 of 4 stars). 2 submissions from 2 submitters: Pathogenic (1); Likely pathogenic (1). Last evaluated 2025-01-23.

Conditions:
Glycogen storage disease, type II (IOPD). Also called: Glycogen storage disease type 2; Acid maltase deficiency disease; Aglucosidase alfa; Deficiency of alpha-glucosidase; Deficiency of lysosomal alpha-glucosidase; Glucosidase acid-1,4-alpha deficiency. Identifiers: Orphanet 365, MedGen C0017921, MONDO:0009290, OMIM 232300.

Submissions (2):

Revvity Omics, Revvity
Classification: Likely pathogenic. Last evaluated: 2025-01-23. Review status: criteria provided, single submitter. Criteria: ACMG Guidelines, 2015. Collection method: clinical testing. Allele origin: germline.

Labcorp Genetics (formerly Invitae), Labcorp
Classification: Pathogenic for Glycogen storage disease, type II. Last evaluated: 2023-08-16. Review status: criteria provided, single submitter. Criteria: Invitae Variant Classification Sherloc (09022015). Collection method: clinical testing. Allele origin: germline.
Comment: This sequence change creates a premature translational stop signal (p.Phe297Cysfs*33) in the GAA gene. It is expected to result in an absent or disrupted protein product. Loss-of-function variants in GAA are known to be pathogenic (PMID: 18425781, 22252923). This variant is not present in population databases (gnomAD no frequency). This variant has not been reported in the literature in individuals affected with GAA-related conditions. For these reasons, this variant has been classified as Pathogenic.

Literature cited by the submitters: PubMed 18425781 (cited by Labcorp Genetics (formerly Invitae), Labcorp); PubMed 22252923 (cited by Labcorp Genetics (formerly Invitae), Labcorp).